The following is an entry in ClinVar:

NM_003331.5(TYK2):c.468C>T (p.Gly156=)

Gene: TYK2 (tyrosine kinase 2; minus strand). Cytogenetic location: 19p13.2.
Variant type: single nucleotide variant.
Coding change: c.468C>T on transcript NM_003331.5 (MANE Select); coding-DNA position 468, C replaced by T.
Protein change: p.Gly156=; no amino-acid change (glycine 156 retained).
Molecular consequence: synonymous variant.
Genome position (GRCh38, 1-based): chr19:10,366,578, G>A on the plus strand (C>T on the coding strand, the complement: TYK2 is on the minus strand). VCF-style: chr19-10366578-G-A. GRCh37 (hg19) VCF-style: chr19-10477254-G-A.
Other names: c.468C>T, p.Gly156= (NM_001385197.1, NM_001385198.1, NM_001385199.1 and 9 more transcripts).
Identifiers: ClinVar variation 3030478 (VCV003030478.4), dbSNP rs1010813526, ClinGen allele CA305208186.
Genomic context (GRCh38, chr19:10,366,578, plus strand): 5'-GATCTCCTCCTCGGTCGACAGCTCCCACAGTGATGCCACGTCATTCACAAACTCATGCTT[G>A]CCCTGGGAACAGGAAATTGAGCAGAAAGGGAGGTGTGAGAATGCGTTCCTCTCTAGCCCA-3'
Protein context (NP_003322.3, residues 146-166): PASFEYLFEQ[Gly156=]KHEFVNDVAS

ClinVar aggregate classification (germline): Likely benign. Review status: criteria provided, single submitter (1 of 4 stars). 2 submissions from 2 submitters: Likely benign (1). 1 of the submissions does not count toward it. Last evaluated 2024-03-14.

Conditions:
Immunodeficiency 35 (IMD35). Also called: TYK2 DEFICIENCY; HIES WITH ATYPICAL MYCOBACTERIOSIS, AUTOSOMAL RECESSIVE; HYPER-IgE SYNDROME WITH ATYPICAL MYCOBACTERIOSIS, AUTOSOMAL RECESSIVE; Susceptibility to infection due to TYK2 deficiency. Identifiers: Orphanet 331226, MedGen C1969086, MONDO:0012682, OMIM 611521.
TYK2-related disorder. Also called: TYK2-related condition.

Allele frequency attached by ClinVar (database versions not stated): gnomAD exomes below 0.00001; TOPMed 0.00004; gnomAD 0.00005.
gnomAD v4.1: 16 of 1,613,864 alleles (0.00099%); highest among the groups gnomAD compares: African/African-American, 0.017%; no homozygotes.

Submissions (2):

Labcorp Genetics (formerly Invitae), Labcorp
Classification: Likely benign for Immunodeficiency 35. Last evaluated: 2024-03-14. Review status: criteria provided, single submitter. Criteria: Invitae Variant Classification Sherloc (09022015). Collection method: clinical testing. Allele origin: germline.

PreventionGenetics, part of Exact Sciences
Classification: Likely benign for TYK2-related condition. Last evaluated: 2021-04-26. Review status: no assertion criteria provided. Collection method: clinical testing. Allele origin: germline. Not counted in ClinVar's aggregate classification.
Comment: This variant is classified as likely benign based on ACMG/AMP sequence variant interpretation guidelines (Richards et al. 2015 PMID: 25741868, with internal and published modifications).